The following is an entry in ClinVar:

ClinVar aggregate classification (germline): Pathogenic (1 of 4 stars; one submission).

Conditions:
X-linked severe combined immunodeficiency (SCIDX1). Also called: T-B+ severe combined immunodeficiency due to gamma chain deficiency; IMMUNODEFICIENCY 4; X-Linked Combined Immunodeficiency Diseases; SCID, X-LINKED; SEVERE COMBINED IMMUNODEFICIENCY, X-LINKED, T CELL-NEGATIVE, B CELL-POSITIVE, NK CELL-NEGATIVE. Identifiers: Orphanet 276, MedGen C6022468, MONDO:0010315, OMIM 300400. Disease mechanism: loss of function.

Submission:

Labcorp Genetics (formerly Invitae), Labcorp
Classification: Pathogenic for X-linked severe combined immunodeficiency. Last evaluated: 2016-09-02. Review status: criteria provided, single submitter. Criteria: Invitae Variant Classification Sherloc (09022015). Collection method: clinical testing. Allele origin: germline.
Comment: For these reasons, this variant has been classified as Pathogenic. Loss-of-function variants in IL2RG are known to be pathogenic. This particular variant has been reported in an individual affected with severe combined immunodeficiency (SCID) (PMID: 10794430). This sequence change creates a premature translational stop signal at codon 201 (p.Ser201*) of the IL2RG gene. It is expected to result in an absent or disrupted protein product.

Literature cited by the submitters: PubMed 10794430.

NM_000206.3(IL2RG):c.602C>G (p.Ser201Ter)

Gene: IL2RG (interleukin 2 receptor subunit gamma; minus strand). Cytogenetic location: Xq13.1.
Variant type: single nucleotide variant.
Coding change: c.602C>G on transcript NM_000206.3 (MANE Select); coding-DNA position 602, C replaced by G.
Protein change: p.Ser201Ter; replaces serine 201 with a stop codon.
Molecular consequence: nonsense.
Genome position (GRCh38, 1-based): chrX:71,109,383, G>C on the plus strand (C>G on the coding strand, the complement: IL2RG is on the minus strand). VCF-style: chrX-71109383-G-C. GRCh37 (hg19) VCF-style: chrX-70329233-G-C.
Other names: short protein forms S201*.
Identifiers: ClinVar variation 463382 (VCV000463382.8), dbSNP rs1556330286, ClinGen allele CA413496157.